The following is an entry in ClinVar:

ClinVar aggregate classification (germline): Uncertain significance (1 of 4 stars; one submission).

gnomAD v4.1: 4 of 1,614,208 alleles (0.00025%); highest among the groups gnomAD compares: Non-Finnish European, 0.00034%; no homozygotes.

Submission:

Mayo Clinic Laboratories, Mayo Clinic
Classification: Uncertain significance. Last evaluated: 2024-01-23. Review status: criteria provided, single submitter. Criteria: ACMG Guidelines, 2015. Collection method: clinical testing. Allele origin: germline. Observed: 1 variant allele.
Comment: PM2_moderate

NM_001243177.4(ALDOA):c.512C>G (p.Ala171Gly)

Genes: ALDOA (aldolase, fructose-bisphosphate A; plus strand), LOC112694756 (uncharaterized LOC112694756; plus strand). Cytogenetic location: 16p11.2.
Variant type: single nucleotide variant.
Coding change: c.512C>G on transcript NM_001243177.4 (MANE Select); coding-DNA position 512, C replaced by G.
Protein change: p.Ala171Gly; replaces alanine 171 with glycine.
Molecular consequence: missense variant. On other transcripts: 3 prime UTR variant (3).
Genome position (GRCh38, 1-based): chr16:30,068,671, C>G. VCF-style: chr16-30068671-C-G. GRCh37 (hg19) VCF-style: chr16-30079992-C-G.
Other names: p.Ala117Gly; c.*859C>G (NM_001365304.2, NM_001365305.2, NM_001365307.2); c.350C>G, p.Ala117Gly (NM_001127617.2, NM_184041.5, NM_184043.2); short protein forms A117G, A171G.
Identifiers: ClinVar variation 3380382 (VCV003380382.1).